The following is an entry in ClinVar:

NM_030928.4(CDT1):c.1199C>T (p.Pro400Leu)

Gene: CDT1 (chromatin licensing and DNA replication factor 1; plus strand). Cytogenetic location: 16q24.3.
Variant type: single nucleotide variant.
Coding change: c.1199C>T on transcript NM_030928.4 (MANE Select); coding-DNA position 1199, C replaced by T.
Protein change: p.Pro400Leu; replaces proline 400 with leucine.
Molecular consequence: missense variant.
Genome position (GRCh38, 1-based): chr16:88,807,127, C>T. VCF-style: chr16-88807127-C-T. GRCh37 (hg19) VCF-style: chr16-88873535-C-T.
Other names: c.1199C>T (NM_030928.3); short protein forms P400L.
Identifiers: ClinVar variation 1475163 (VCV001475163.6), dbSNP rs367845242, ClinGen allele CA8234045.

ClinVar aggregate classification (germline): Uncertain significance. Review status: criteria provided, multiple submitters, no conflicts (2 of 4 stars). 3 submissions from 3 submitters: Uncertain significance (3). Last evaluated 2024-10-02.

Conditions:
Inborn genetic diseases. Identifiers: MedGen C0950123, MeSH D030342.

Allele frequency attached by ClinVar (database versions not stated): gnomAD exomes 0.00004 and 0.00015; gnomAD 0.00007 and 0.00009; ESP Exome Variant Server 0.00008; ExAC 0.00009; TOPMed 0.00015.
gnomAD v4.1: 73 of 1,612,502 alleles (0.0045%); highest among the groups gnomAD compares: Admixed American, 0.067%; no homozygotes.

Submissions (3):

Blueprint Genetics
Classification: Uncertain significance. Last evaluated: 2024-10-02. Review status: criteria provided, single submitter. Criteria: ACMG Guidelines, 2015. Collection method: clinical testing. Allele origin: germline.

Ambry Genetics
Classification: Uncertain significance for Inborn genetic diseases. Last evaluated: 2024-07-07. Review status: criteria provided, single submitter. Criteria: Ambry Variant Classification Scheme 2023. Collection method: clinical testing. Allele origin: germline.

Labcorp Genetics (formerly Invitae), Labcorp
Classification: Uncertain significance. Last evaluated: 2022-09-07. Review status: criteria provided, single submitter. Criteria: Invitae Variant Classification Sherloc (09022015). Collection method: clinical testing. Allele origin: germline.
Comment: This sequence change replaces proline, which is neutral and non-polar, with leucine, which is neutral and non-polar, at codon 400 of the CDT1 protein (p.Pro400Leu). This variant is present in population databases (rs367845242, gnomAD 0.1%). This variant has not been reported in the literature in individuals affected with CDT1-related conditions. ClinVar contains an entry for this variant (Variation ID: 1475163). Algorithms developed to predict the effect of missense changes on protein structure and function output the following: SIFT: "Deleterious"; PolyPhen-2: "Benign"; Align-GVGD: "Class C0". The leucine amino acid residue is found in multiple mammalian species, which suggests that this missense change does not adversely affect protein function. In summary, the available evidence is currently insufficient to determine the role of this variant in disease. Therefore, it has been classified as a Variant of Uncertain Significance.